The following is an entry in ClinVar:

NM_001876.4(CPT1A):c.2124C>A (p.Ser708Arg)

Gene: CPT1A (carnitine palmitoyltransferase 1A; minus strand). Cytogenetic location: 11q13.3.
Variant type: single nucleotide variant.
Coding change: c.2124C>A on transcript NM_001876.4 (MANE Select); coding-DNA position 2124, C replaced by A.
Protein change: p.Ser708Arg; replaces serine 708 with arginine.
Molecular consequence: missense variant.
Genome position (GRCh38, 1-based): chr11:68,760,243, G>T on the plus strand (C>A on the coding strand, the complement: CPT1A is on the minus strand). VCF-style: chr11-68760243-G-T. GRCh37 (hg19) VCF-style: chr11-68527711-G-T.
Other names: c.2124C>A, p.Ser708Arg (NM_001031847.3); short protein forms S708R.
Identifiers: ClinVar variation 861268 (VCV000861268.9), dbSNP rs773748237, ClinGen allele CA381625775.

ClinVar aggregate classification (germline): Uncertain significance (1 of 4 stars; one submission).

Conditions:
Carnitine palmitoyl transferase 1A deficiency. Also called: CPT deficiency, hepatic, type IA; Carnitine palmitoyltransferase 1A deficiency; Carnitine palmitoyltransferase type I deficiency; CPT I DEFICIENCY; CPT DEFICIENCY, HEPATIC, TYPE I. Identifiers: Orphanet 156, MedGen C1829703, MONDO:0009705, OMIM 255120.

Submission:

Labcorp Genetics (formerly Invitae), Labcorp
Classification: Uncertain significance for Carnitine palmitoyl transferase 1A deficiency. Last evaluated: 2025-10-01. Review status: criteria provided, single submitter. Criteria: Invitae Variant Classification Sherloc (09022015). Collection method: clinical testing. Allele origin: germline.
Comment: This sequence change replaces serine, which is neutral and polar, with arginine, which is basic and polar, at codon 708 of the CPT1A protein (p.Ser708Arg). This variant is not present in population databases (gnomAD no frequency). This missense change has been observed in individual(s) with CPT1A deficiency (PMID: 35822099). ClinVar contains an entry for this variant (Variation ID: 861268). Invitae Evidence Modeling of protein sequence and biophysical properties (such as structural, functional, and spatial information, amino acid conservation, physicochemical variation, residue mobility, and thermodynamic stability) indicates that this missense variant is not expected to disrupt CPT1A protein function with a negative predictive value of 80%. In summary, the available evidence is currently insufficient to determine the role of this variant in disease. Therefore, it has been classified as a Variant of Uncertain Significance.

Literature cited by the submitters: PubMed 35822099.